The following is an entry in ClinVar:

NM_000455.5(STK11):c.1206C>A (p.Thr402=)

Gene: STK11 (serine/threonine kinase 11; plus strand). Cytogenetic location: 19p13.3.
Variant type: single nucleotide variant.
Coding change: c.1206C>A on transcript NM_000455.5 (MANE Select); coding-DNA position 1206, C replaced by A.
Protein change: p.Thr402=; no amino-acid change (threonine 402 retained).
Molecular consequence: synonymous variant.
Genome position (GRCh38, 1-based): chr19:1,226,551, C>A. VCF-style: chr19-1226551-C-A. GRCh37 (hg19) VCF-style: chr19-1226550-C-A.
Identifiers: ClinVar variation 1332370 (VCV001332370.12), dbSNP rs758129211, ClinGen allele CA045943.

ClinVar aggregate classification (germline): Benign/Likely benign. Review status: criteria provided, multiple submitters, no conflicts (2 of 4 stars). 4 submissions from 4 submitters: Benign (1); Likely benign (3). Last evaluated 2025-03-28.

Conditions:
Hereditary cancer-predisposing syndrome. Also called: Hereditary Cancer Syndrome; Hereditary neoplastic syndrome; Neoplastic Syndromes, Hereditary; Tumor predisposition. Identifiers: Orphanet 140162, MedGen C0027672, MeSH D009386, MONDO:0015356.
Peutz-Jeghers syndrome (PJS). Also called: POLYPOSIS, HAMARTOMATOUS INTESTINAL; POLYPS-AND-SPOTS SYNDROME; Peutz-Jeghers polyposis; Periorificial lentiginosis syndrome. Identifiers: Orphanet 2869, MedGen C0031269, MeSH D010580, MONDO:0008280, OMIM 175200.

Allele frequency attached by ClinVar (database versions not stated): gnomAD exomes 0.00001; ExAC 0.00002.
gnomAD v4.1: 5 of 1,602,160 alleles (0.00031%); highest among the groups gnomAD compares: East Asian, 0.0023%; no homozygotes.

Submissions (4):

Myriad Genetics, Inc.
Classification: Benign for Peutz-Jeghers syndrome. Last evaluated: 2025-03-28. Review status: criteria provided, single submitter. Criteria: Myriad Autosomal Dominant, Autosomal Recessive and X-Linked Classification Criteria (2023). Collection method: clinical testing. Allele origin: unknown.
Comment: This variant is considered benign. This variant is a silent/synonymous amino acid change and it is not expected to impact splicing.

Ambry Genetics
Classification: Likely benign for Hereditary cancer-predisposing syndrome. Last evaluated: 2024-05-07. Review status: criteria provided, single submitter. Criteria: Ambry Variant Classification Scheme 2023. Collection method: clinical testing. Allele origin: germline.

Labcorp Genetics (formerly Invitae), Labcorp
Classification: Likely benign for Peutz-Jeghers syndrome. Last evaluated: 2023-10-17. Review status: criteria provided, single submitter. Criteria: Invitae Variant Classification Sherloc (09022015). Collection method: clinical testing. Allele origin: germline.

Color Diagnostics, LLC DBA Color Health
Classification: Likely benign for Hereditary cancer-predisposing syndrome. Last evaluated: 2021-04-19. Review status: criteria provided, single submitter. Criteria: ACMG Guidelines, 2015. Collection method: clinical testing. Allele origin: germline.